The following is an entry in ClinVar:

ClinVar aggregate classification (germline): Uncertain significance (1 of 4 stars; one submission).

Allele frequency attached by ClinVar (database versions not stated): gnomAD exomes below 0.00001.
gnomAD v4.1: 4 of 1,614,006 alleles (0.00025%); highest among the groups gnomAD compares: Middle Eastern, 0.017%; no homozygotes.

Submission:

CeGaT Center for Human Genetics Tuebingen
Classification: Uncertain significance. Last evaluated: 2022-05-01. Review status: criteria provided, single submitter. Criteria: CeGaT Center For Human Genetics Tuebingen Variant Classification Criteria Version 2. Collection method: clinical testing. Allele origin: germline. Affected: yes. Observed: 1 variant allele.
Comment: AFF4: PM2

NM_014423.4(AFF4):c.1241C>T (p.Ser414Leu)

Gene: AFF4 (ALF transcription elongation factor 4; minus strand). Cytogenetic location: 5q31.1.
Variant type: single nucleotide variant.
Coding change: c.1241C>T on transcript NM_014423.4 (MANE Select); coding-DNA position 1241, C replaced by T.
Protein change: p.Ser414Leu; replaces serine 414 with leucine.
Molecular consequence: missense variant.
Genome position (GRCh38, 1-based): chr5:132,898,378, G>A on the plus strand (C>T on the coding strand, the complement: AFF4 is on the minus strand). VCF-style: chr5-132898378-G-A. GRCh37 (hg19) VCF-style: chr5-132234070-G-A.
Other names: short protein forms S414L.
Identifiers: ClinVar variation 2655701 (VCV002655701.24), dbSNP rs2532481969, ClinGen allele CA360942119.